The following is an entry in ClinVar:

NM_000530.8(MPZ):c.*25C>G

Gene: MPZ (myelin protein zero; minus strand). Cytogenetic location: 1q23.3.
Variant type: single nucleotide variant.
Coding change: c.*25C>G on transcript NM_000530.8 (MANE Select); 25 bases downstream of the stop codon, C replaced by G.
Molecular consequence: 3 prime UTR variant. On other transcripts: missense variant (1).
Genome position (GRCh38, 1-based): chr1:161,305,851, G>C on the plus strand (C>G on the coding strand, the complement: MPZ is on the minus strand). VCF-style: chr1-161305851-G-C. GRCh37 (hg19) VCF-style: chr1-161275641-G-C.
Other names: c.772C>G, p.Arg258Gly (NM_001315491.2); short protein forms R258G.
Identifiers: ClinVar variation 3355274 (VCV003355274.1).

ClinVar aggregate classification (germline): Likely benign (0 of 4 stars; one submission).

Conditions:
MPZ-related disorder. Also called: MPZ-related condition; MPZ-related disorders.

Submission:

PreventionGenetics, part of Exact Sciences
Classification: Likely benign for MPZ-related condition. Last evaluated: 2024-05-24. Review status: no assertion criteria provided. Collection method: clinical testing. Allele origin: germline.
Comment: This variant is classified as likely benign based on ACMG/AMP sequence variant interpretation guidelines (Richards et al. 2015 PMID: 25741868, with internal and published modifications).